The following is an entry in ClinVar:

NM_001371928.1(AHDC1):c.3240T>C (p.Ser1080=)

Gene: AHDC1 (AT-hook DNA binding motif containing 1; minus strand). Cytogenetic location: 1p36.11.
Variant type: single nucleotide variant.
Coding change: c.3240T>C on transcript NM_001371928.1 (MANE Select); coding-DNA position 3240, T replaced by C.
Protein change: p.Ser1080=; no amino-acid change (serine 1080 retained).
Molecular consequence: synonymous variant.
Genome position (GRCh38, 1-based): chr1:27,548,876, A>G on the plus strand (T>C on the coding strand, the complement: AHDC1 is on the minus strand). VCF-style: chr1-27548876-A-G. GRCh37 (hg19) VCF-style: chr1-27875387-A-G.
Other names: c.3240T>C (NM_001029882.2); c.3240T>C, p.Ser1080= (NM_001029882.3).
Identifiers: ClinVar variation 711272 (VCV000711272.38), dbSNP rs148001847, ClinGen allele CA715594.

ClinVar aggregate classification (germline): Benign/Likely benign. Review status: criteria provided, multiple submitters, no conflicts (2 of 4 stars). 5 submissions from 5 submitters: Benign (3); Likely benign (2). Last evaluated 2026-01-05.

Conditions:
AHDC1-related intellectual disability - obstructive sleep apnea - mild dysmorphism syndrome. Also called: Xia-Gibbs syndrome. Identifiers: Orphanet 412069, MedGen C4014419, MONDO:0014358, OMIM 615829.

Allele frequency attached by ClinVar (database versions not stated): gnomAD exomes 0.00013 and 0.00036; ExAC 0.00051; 1000 Genomes Project 0.00100; ESP Exome Variant Server 0.00132; gnomAD 0.00140 and 0.00157; TOPMed 0.00150.

Submissions (5):

Labcorp Genetics (formerly Invitae), Labcorp
Classification: Benign. Last evaluated: 2026-01-05. Review status: criteria provided, single submitter. Criteria: Invitae Variant Classification Sherloc (09022015). Collection method: clinical testing. Allele origin: germline.

Blueprint Genetics
Classification: Likely benign. Last evaluated: 2024-01-18. Review status: criteria provided, single submitter. Criteria: ACMG Guidelines, 2015. Collection method: clinical testing. Allele origin: germline.

CeGaT Center for Human Genetics Tuebingen
Classification: Likely benign. Last evaluated: 2023-09-01. Review status: criteria provided, single submitter. Criteria: CeGaT Center For Human Genetics Tuebingen Variant Classification Criteria Version 2. Collection method: clinical testing. Allele origin: germline. Affected: yes. Observed: 1 variant allele.
Comment: AHDC1: BP4, BP7

Genome-Nilou Lab
Classification: Benign for AHDC1-related intellectual disability - obstructive sleep apnea - mild dysmorphism syndrome. Last evaluated: 2021-12-05. Review status: criteria provided, single submitter. Criteria: ACMG Guidelines, 2015. Collection method: clinical testing. Allele origin: germline. Affected: no.

GeneDx
Classification: Benign. Last evaluated: 2019-07-26. Review status: criteria provided, single submitter. Criteria: GeneDx Variant Classification Process June 2021. Collection method: clinical testing. Allele origin: germline. Affected: yes.